The following is an entry in ClinVar:

ClinVar aggregate classification (germline): Likely pathogenic (1 of 4 stars; one submission).

Submission:

Labcorp Genetics (formerly Invitae), Labcorp
Classification: Likely pathogenic. Last evaluated: 2022-05-20. Review status: criteria provided, single submitter. Criteria: Invitae Variant Classification Sherloc (09022015). Collection method: clinical testing. Allele origin: germline.
Comment: Algorithms developed to predict the effect of sequence changes on RNA splicing suggest that this variant may disrupt the consensus splice site. In summary, the currently available evidence indicates that the variant is pathogenic, but additional data are needed to prove that conclusively. Therefore, this variant has been classified as Likely Pathogenic. This variant has not been reported in the literature in individuals affected with COL18A1-related conditions. This variant is not present in population databases (gnomAD no frequency). This sequence change affects an acceptor splice site in intron 23 of the COL18A1 gene. It is expected to disrupt RNA splicing. Variants that disrupt the donor or acceptor splice site typically lead to a loss of protein function (PMID: 16199547), and loss-of-function variants in COL18A1 are known to be pathogenic (PMID: 12415512, 25456301).

Literature cited by the submitters: PubMed 16199547; PubMed 12415512; PubMed 25456301.

NM_001379500.1(COL18A1):c.2188-1G>T

Gene: COL18A1 (collagen type XVIII alpha 1 chain; plus strand). Cytogenetic location: 21q22.3.
Variant type: single nucleotide variant.
Coding change: c.2188-1G>T on transcript NM_001379500.1 (MANE Select); the canonical splice acceptor site of the intron before coding-DNA position 2188, G replaced by T.
Molecular consequence: splice acceptor variant.
Genome position (GRCh38, 1-based): chr21:45,492,686, G>T. VCF-style: chr21-45492686-G-T. GRCh37 (hg19) VCF-style: chr21-46912600-G-T.
Other names: c.3433-1G>T (NM_130444.3); c.2728-1G>T (NM_030582.4).
Identifiers: ClinVar variation 1997064 (VCV001997064.4), dbSNP rs2517690574, ClinGen allele CA410497181.